The following is an entry in ClinVar:

ClinVar aggregate classification (germline): Likely pathogenic (1 of 4 stars; one submission).

Conditions:
Mucopolysaccharidosis, MPS-III-A (MPS3A). Also called: Mucopolysaccharidosis, type IIIA; mucopolysaccharidosis type 3A; MPS IIIA (Sanfilippo Syndrome Type A); HEPARAN SULFATE SULFATASE DEFICIENCY; SANFILIPPO SYNDROME A; SULFAMIDASE DEFICIENCY. Identifiers: Orphanet 581, Orphanet 79269, MedGen C0086647, MONDO:0009655, OMIM 252900.

Submission:

Labcorp Genetics (formerly Invitae), Labcorp
Classification: Likely pathogenic for Mucopolysaccharidosis, MPS-III-A. Last evaluated: 2025-07-06. Review status: criteria provided, single submitter. Criteria: Invitae Variant Classification Sherloc (09022015). Collection method: clinical testing. Allele origin: germline.
Comment: This sequence change replaces glycine, which is neutral and non-polar, with aspartic acid, which is acidic and polar, at codon 80 of the SGSH protein (p.Gly80Asp). This variant is not present in population databases (gnomAD no frequency). This variant has not been reported in the literature in individuals affected with SGSH-related conditions. Invitae Evidence Modeling of protein sequence and biophysical properties (such as structural, functional, and spatial information, amino acid conservation, physicochemical variation, residue mobility, and thermodynamic stability) indicates that this missense variant is expected to disrupt SGSH protein function with a positive predictive value of 95%. This variant disrupts the p.Gly80 amino acid residue in SGSH. Other variant(s) that disrupt this residue have been determined to be pathogenic (PMID: 27896117; internal data). This suggests that this residue is clinically significant, and that variants that disrupt this residue are likely to be disease-causing. In summary, the currently available evidence indicates that the variant is pathogenic, but additional data are needed to prove that conclusively. Therefore, this variant has been classified as Likely Pathogenic.

Literature cited by the submitters: PubMed 27896117.

NM_000199.5(SGSH):c.239G>A (p.Gly80Asp)

Gene: SGSH (N-sulfoglucosamine sulfohydrolase; minus strand). Cytogenetic location: 17q25.3.
Variant type: single nucleotide variant.
Coding change: c.239G>A on transcript NM_000199.5 (MANE Select); coding-DNA position 239, G replaced by A.
Protein change: p.Gly80Asp; replaces glycine 80 with aspartic acid.
Molecular consequence: missense variant. On other transcripts: non-coding transcript variant (1).
Genome position (GRCh38, 1-based): chr17:80,217,042, C>T on the plus strand (G>A on the coding strand, the complement: SGSH is on the minus strand). VCF-style: chr17-80217042-C-T. GRCh37 (hg19) VCF-style: chr17-78190841-C-T.
Other names: c.239G>A, p.Gly80Asp (NM_001352921.3, NM_001352922.2); short protein forms G80D.
Identifiers: ClinVar variation 4800922 (VCV004800922.1).
Genomic context (GRCh38, chr17:80,217,042, plus strand): 5'-CAGCCTGTCTACTCCCTGCCCACCCCCTCCTCCCGCCCCTTGCACCTCACCTGGGGCAGG[C>T]CAGTGAGGAGGCTGGCGCGGCTGGGAGAGCAGCTGCTGACCGAGGTGAAGGCATTGCGAA-3'
Protein context (NP_000190.1, residues 70-90): CSPSRASLLT[Gly80Asp]LPQHQNGMYG